The following is an entry in ClinVar:

NM_003924.4(PHOX2B):c.859C>T (p.Leu287Phe)

Gene: PHOX2B (paired like homeobox 2B; minus strand). Cytogenetic location: 4p13.
Variant type: single nucleotide variant.
Coding change: c.859C>T on transcript NM_003924.4 (MANE Select); coding-DNA position 859, C replaced by T.
Protein change: p.Leu287Phe; replaces leucine 287 with phenylalanine.
Molecular consequence: missense variant.
Genome position (GRCh38, 1-based): chr4:41,745,893, G>A on the plus strand (C>T on the coding strand, the complement: PHOX2B is on the minus strand). VCF-style: chr4-41745893-G-A. GRCh37 (hg19) VCF-style: chr4-41747910-G-A.
Other names: short protein forms L287F.
Identifiers: ClinVar variation 1763973 (VCV001763973.2), dbSNP rs748808912, ClinGen allele CA2901402.

ClinVar aggregate classification (germline): Uncertain significance (1 of 4 stars; one submission).

Conditions:
Hereditary cancer-predisposing syndrome. Also called: Neoplastic Syndromes, Hereditary; Tumor predisposition; Hereditary Cancer Syndrome; Hereditary neoplastic syndrome. Identifiers: Orphanet 140162, MedGen C0027672, MeSH D009386, MONDO:0015356.

Allele frequency attached by ClinVar (database versions not stated): gnomAD exomes below 0.00001; ExAC 0.00001.
gnomAD v4.1: 1 of 1,608,140 alleles (0.000062%); highest among the groups gnomAD compares: Non-Finnish European, 0.000085%; no homozygotes.

Submission:

Ambry Genetics
Classification: Uncertain significance for Hereditary cancer-predisposing syndrome. Last evaluated: 2020-09-02. Review status: criteria provided, single submitter. Criteria: Ambry Variant Classification Scheme 2023. Collection method: clinical testing. Allele origin: germline.
Comment: The p.L287F variant (also known as c.859C>T), located in coding exon 3 of the PHOX2B gene, results from a C to T substitution at nucleotide position 859. The leucine at codon 287 is replaced by phenylalanine, an amino acid with highly similar properties. This amino acid position is not well conserved in available vertebrate species. In addition, the in silico prediction for this alteration is inconclusive. Since supporting evidence is limited at this time, the clinical significance of this alteration remains unclear.